The following is an entry in ClinVar:

ClinVar aggregate classification (germline): Uncertain significance (1 of 4 stars; one submission).

Conditions:
Emery-Dreifuss muscular dystrophy (EDMD). Also called: Scapuloperoneal syndrome, X-linked (formerly); Humeroperoneal neuromuscular disease, (formerly). Identifiers: Orphanet 261, MedGen C0410189, MONDO:0016830.

Allele frequency attached by ClinVar (database versions not stated): gnomAD exomes below 0.00001 and 0.00001; TOPMed 0.00001; ExAC 0.00002.
gnomAD v4.1: 2 of 1,613,588 alleles (0.00012%); highest among the groups gnomAD compares: Admixed American, 0.0033%; no homozygotes.

Submission:

Labcorp Genetics (formerly Invitae), Labcorp
Classification: Uncertain significance for Emery-Dreifuss muscular dystrophy. Last evaluated: 2025-08-19. Review status: criteria provided, single submitter. Criteria: Invitae Variant Classification Sherloc (09022015). Collection method: clinical testing. Allele origin: germline.
Comment: This sequence change replaces glycine, which is neutral and non-polar, with serine, which is neutral and polar, at codon 312 of the SUN1 protein (p.Gly312Ser). This variant is present in population databases (rs768858283, gnomAD 0.006%). This variant has not been reported in the literature in individuals affected with SUN1-related conditions. ClinVar contains an entry for this variant (Variation ID: 1378996). An algorithm developed to predict the effect of missense changes on protein structure and function outputs the following: PolyPhen-2: "Benign". The serine amino acid residue is found in multiple mammalian species, which suggests that this missense change does not adversely affect protein function. In summary, the available evidence is currently insufficient to determine the role of this variant in disease. Therefore, it has been classified as a Variant of Uncertain Significance.

NM_001130965.3(SUN1):c.934G>A (p.Gly312Ser)

Gene: SUN1 (Sad1 and UNC84 domain containing 1; plus strand). Cytogenetic location: 7p22.3.
Variant type: single nucleotide variant.
Coding change: c.934G>A on transcript NM_001130965.3 (MANE Select); coding-DNA position 934, G replaced by A.
Protein change: p.Gly312Ser; replaces glycine 312 with serine.
Molecular consequence: missense variant. On other transcripts: non-coding transcript variant (3), intron variant (1).
Genome position (GRCh38, 1-based): chr7:852,833, G>A. VCF-style: chr7-852833-G-A. GRCh37 (hg19) VCF-style: chr7-892470-G-A.
Other names: c.625G>A, p.Gly209Ser (NM_001171944.2); c.934G>A, p.Gly312Ser (NM_001367633.1, NM_001367634.1, NM_001367653.1 and 1 more transcripts); c.583G>A, p.Gly195Ser (NM_001367635.1); c.1174G>A, p.Gly392Ser (NM_001367636.1, NM_001367691.1); c.1042G>A, p.Gly348Ser (NM_001367638.1); c.475G>A, p.Gly159Ser (NM_001367639.1); c.1114G>A, p.Gly372Ser (NM_001367640.1); c.1216G>A, p.Gly406Ser (NM_001367641.1, NM_001367682.1); and 38 more; short protein forms G159S, G195S, G256S, G290S, G298S, G307S, G326S, G328S.
Identifiers: ClinVar variation 1378996 (VCV001378996.6), dbSNP rs768858283, ClinGen allele CA4112016.